The following is an entry in ClinVar:

ClinVar aggregate classification (germline): Conflicting classifications of pathogenicity. Review status: criteria provided, conflicting classifications (1 of 4 stars). 3 submissions from 3 submitters: Uncertain significance (2); Benign (1). Last evaluated 2026-07-07.

Conditions:
Dilated cardiomyopathy 1DD (CMD1DD). Identifiers: Orphanet 154, MedGen C2750995, MONDO:0013168, OMIM 613172.
Cardiovascular phenotype. Identifiers: MedGen CN230736.

Allele frequency attached by ClinVar (database versions not stated): gnomAD exomes below 0.00001; TOPMed 0.00001; gnomAD 0.00003.
gnomAD v4.1: 4 of 1,551,518 alleles (0.00026%); highest among the groups gnomAD compares: African/African-American, 0.0055%; no homozygotes.

Submissions (3):

Ambry Genetics
Classification: Uncertain significance for Cardiovascular phenotype. Last evaluated: 2026-07-07. Review status: criteria provided, single submitter. Criteria: Ambry Variant Classification Scheme 2023. Collection method: clinical testing. Allele origin: germline.
Comment: The p.A301P variant (also known as c.901G>C), located in coding exon 2 of the RBM20 gene, results from a G to C substitution at nucleotide position 901. The alanine at codon 301 is replaced by proline, an amino acid with highly similar properties. This amino acid position is conserved. In addition, this alteration is predicted to be tolerated by in silico analysis. Based on the available evidence, the clinical significance of this variant remains unclear.

Labcorp Genetics (formerly Invitae), Labcorp
Classification: Benign for Dilated cardiomyopathy 1DD. Last evaluated: 2025-11-13. Review status: criteria provided, single submitter. Criteria: Invitae Variant Classification Sherloc (09022015). Collection method: clinical testing. Allele origin: germline.

GeneDx
Classification: Uncertain significance. Last evaluated: 2017-03-16. Review status: criteria provided, single submitter. Criteria: GeneDx Variant Classification (06012015). Collection method: clinical testing. Allele origin: germline. Affected: yes.
Comment: A variant of uncertain significance has been identified in the RBM20 gene. The A301P variant has not been published as pathogenic or been reported as benign to our knowledge. This variant is not observed in large population cohorts (Lek et al., 2016; 1000 Genomes Consortium et al., 2015; Exome Variant Server). The A301P variant is a semi-conservative amino acid substitution, which may impact secondary protein structure as these residues differ in some properties. However, this substitution occurs at a position that is not conserved across species and where proline is the wild type in several species. Finally, in silico analysis suggests that this variant likely does not alter the protein structure/function.

NM_001134363.3(RBM20):c.901G>C (p.Ala301Pro)

Gene: RBM20 (RNA binding motif protein 20; plus strand). Cytogenetic location: 10q25.2.
Variant type: single nucleotide variant.
Coding change: c.901G>C on transcript NM_001134363.3 (MANE Select); coding-DNA position 901, G replaced by C.
Protein change: p.Ala301Pro; replaces alanine 301 with proline.
Molecular consequence: missense variant.
Genome position (GRCh38, 1-based): chr10:110,781,510, G>C. VCF-style: chr10-110781510-G-C. GRCh37 (hg19) VCF-style: chr10-112541268-G-C.
Other names: c.901G>C (LRG_382t1); short protein forms A301P.
Identifiers: ClinVar variation 424368 (VCV000424368.7), dbSNP rs1064796938, ClinGen allele CA16618930.
Genomic context (GRCh38, chr10:110,781,510, plus strand): 5'-GATTTTTACGGACCCAACTCCCAAGGTTCACATGTGGCCAGCGGATTTCCAGCTGAGCAG[G>C]CTGGGGGCCTGAAAAGTGAGGTCGGGCCACTGCTGCAGGGCACAAACAGCCAATGGGAGA-3'
Protein context (NP_001127835.2, residues 291-311): HVASGFPAEQ[Ala301Pro]GGLKSEVGPL